The following is an entry in ClinVar:

NM_001085458.2(CTNND1):c.1448A>C (p.Asp483Ala)

Genes: CTNND1 (catenin delta 1; plus strand), TMX2-CTNND1 (TMX2-CTNND1 readthrough (NMD candidate); plus strand). Cytogenetic location: 11q12.1.
Variant type: single nucleotide variant.
Coding change: c.1448A>C on transcript NM_001085458.2 (MANE Select); coding-DNA position 1448, A replaced by C.
Protein change: p.Asp483Ala; replaces aspartic acid 483 with alanine.
Molecular consequence: missense variant. On other transcripts: non-coding transcript variant (1).
Genome position (GRCh38, 1-based): chr11:57,803,648, A>C. VCF-style: chr11-57803648-A-C. GRCh37 (hg19) VCF-style: chr11-57571120-A-C.
Other names: c.1145A>C, p.Asp382Ala (NM_001085467.2, NM_001085468.2, NM_001085469.2 and 5 more transcripts); c.1286A>C, p.Asp429Ala (NM_001206883.2, NM_001206884.2, NM_001206886.2 and 4 more transcripts); c.1448A>C, p.Asp483Ala (NM_001206885.2, NM_001085459.2, NM_001085460.2 and 3 more transcripts); short protein forms D382A, D429A, D483A.
Identifiers: ClinVar variation 3899006 (VCV003899006.2).
Genomic context (GRCh38, chr11:57,803,648, plus strand): 5'-CTCAAGAGCCATCTGATGAATTGTCTCTTCCAGGAACCCTGTGGAATCTTTCATCCCATG[A>C]CTCAATCAAAATGGAGATTGTGGACCATGCACTGCATGCCTTGACAGATGAAGTGATCAT-3'
Protein context (NP_001078927.1, residues 473-493): TGTLWNLSSH[Asp483Ala]SIKMEIVDHA

ClinVar aggregate classification (germline): Uncertain significance (1 of 4 stars; one submission).

Submission:

GeneDx
Classification: Uncertain significance. Last evaluated: 2026-05-28. Review status: criteria provided, single submitter. Criteria: GeneDx Variant Classification Process June 2021. Collection method: clinical testing. Allele origin: germline.
Comment: Not observed at significant frequency in large population cohorts (gnomAD); In silico analysis supports that this missense variant has a deleterious effect on protein structure/function; Has not been previously published as pathogenic or benign to our knowledge